The following is an entry in ClinVar:

ClinVar aggregate classification (germline): Pathogenic (1 of 4 stars; one submission).

Conditions:
Hereditary cancer-predisposing syndrome. Also called: Neoplastic Syndromes, Hereditary; Tumor predisposition; Hereditary Cancer Syndrome; Hereditary neoplastic syndrome. Identifiers: Orphanet 140162, MedGen C0027672, MeSH D009386, MONDO:0015356.

Submission:

Ambry Genetics
Classification: Pathogenic for Hereditary cancer-predisposing syndrome. Last evaluated: 2026-03-22. Review status: criteria provided, single submitter. Criteria: Ambry Variant Classification Scheme 2023. Collection method: clinical testing. Allele origin: germline.
Comment: The c.296delA pathogenic mutation, located in coding exon 2 of the MSH3 gene, results from a deletion of one nucleotide at nucleotide position 296, causing a translational frameshift with a predicted alternate stop codon (p.K99Rfs*3). This variant is considered to be rare based on population cohorts in the Genome Aggregation Database (gnomAD). This alteration is expected to result in loss of function by premature protein truncation or nonsense-mediated mRNA decay. As such, this alteration is interpreted as a disease-causing mutation.

NM_002439.5(MSH3):c.296del (p.Lys99fs)

Gene: MSH3 (mutS homolog 3; plus strand). Cytogenetic location: 5q14.1.
Variant type: Deletion.
Coding change: c.296del on transcript NM_002439.5 (MANE Select); coding-DNA position 296, one base deleted (A; older notation c.296delA).
Protein change: p.Lys99fs; shifts the reading frame from lysine 99.
Molecular consequence: frameshift variant.
Genome position (GRCh38, 1-based): chr5:80,656,469, A deleted; the last of 5 consecutive A bases (chr5:80,656,465-80,656,469); deleting any one gives the same sequence. VCF-style (leftmost placement, unchanged base first): chr5-80656464-TA-T. GRCh37 (hg19) VCF-style: chr5-79952283-TA-T.
Other names: short protein forms K99fs.
Identifiers: ClinVar variation 4860323 (VCV004860323.1).